The following is an entry in ClinVar:

NM_000426.4(LAMA2):c.6856G>A (p.Gly2286Arg)

Gene: LAMA2 (laminin subunit alpha 2; plus strand). Cytogenetic location: 6q22.33.
Variant type: single nucleotide variant.
Coding change: c.6856G>A on transcript NM_000426.4 (MANE Select); coding-DNA position 6856, G replaced by A.
Protein change: p.Gly2286Arg; replaces glycine 2286 with arginine.
Molecular consequence: missense variant.
Genome position (GRCh38, 1-based): chr6:129,456,483, G>A. VCF-style: chr6-129456483-G-A. GRCh37 (hg19) VCF-style: chr6-129777628-G-A.
Other names: c.6856G>A, p.Gly2286Arg (NM_001079823.2); short protein forms G2286R.
Identifiers: ClinVar variation 543864 (VCV000543864.9), dbSNP rs1554300300, ClinGen allele CA365618388.

ClinVar aggregate classification (germline): Uncertain significance (1 of 4 stars; one submission).

Conditions:
LAMA2-related muscular dystrophy (LAMA2-RD). Also called: Laminin alpha 2-related dystrophy. Identifiers: MedGen C5679788, MONDO:0100228.

Allele frequency attached by ClinVar (database versions not stated): gnomAD exomes below 0.00001; TOPMed below 0.00001.
gnomAD v4.1: 1 of 1,613,294 alleles (0.000062%); highest among the groups gnomAD compares: Non-Finnish European, 0.000085%; no homozygotes.

Submission:

Labcorp Genetics (formerly Invitae), Labcorp
Classification: Uncertain significance for LAMA2-related muscular dystrophy. Last evaluated: 2025-01-06. Review status: criteria provided, single submitter. Criteria: Invitae Variant Classification Sherloc (09022015). Collection method: clinical testing. Allele origin: germline.
Comment: This sequence change replaces glycine, which is neutral and non-polar, with arginine, which is basic and polar, at codon 2286 of the LAMA2 protein (p.Gly2286Arg). This variant is not present in population databases (gnomAD no frequency). This variant has not been reported in the literature in individuals affected with LAMA2-related conditions. ClinVar contains an entry for this variant (Variation ID: 543864). Invitae Evidence Modeling of protein sequence and biophysical properties (such as structural, functional, and spatial information, amino acid conservation, physicochemical variation, residue mobility, and thermodynamic stability) indicates that this missense variant is not expected to disrupt LAMA2 protein function with a negative predictive value of 95%. In summary, the available evidence is currently insufficient to determine the role of this variant in disease. Therefore, it has been classified as a Variant of Uncertain Significance.